The following is an entry in ClinVar:

ClinVar aggregate classification (germline): Uncertain significance (1 of 4 stars; one submission).

gnomAD v4.1: 1 of 1,613,692 alleles (0.000062%); highest among the groups gnomAD compares: South Asian, 0.0011%; no homozygotes.

Submission:

Labcorp Genetics (formerly Invitae), Labcorp
Classification: Uncertain significance. Last evaluated: 2023-07-07. Review status: criteria provided, single submitter. Criteria: Invitae Variant Classification Sherloc (09022015). Collection method: clinical testing. Allele origin: germline.
Comment: In summary, the available evidence is currently insufficient to determine the role of this variant in disease. Therefore, it has been classified as a Variant of Uncertain Significance. Advanced modeling of protein sequence and biophysical properties (such as structural, functional, and spatial information, amino acid conservation, physicochemical variation, residue mobility, and thermodynamic stability) has been performed at Invitae for this missense variant, however the output from this modeling did not meet the statistical confidence thresholds required to predict the impact of this variant on PDE6B protein function. ClinVar contains an entry for this variant (Variation ID: 1508108). This variant has not been reported in the literature in individuals affected with PDE6B-related conditions. This variant is present in population databases (rs779085612, gnomAD 0.003%). This sequence change replaces valine, which is neutral and non-polar, with phenylalanine, which is neutral and non-polar, at codon 186 of the PDE6B protein (p.Val186Phe).

NM_000283.4(PDE6B):c.556G>T (p.Val186Phe)

Gene: PDE6B (phosphodiesterase 6B; plus strand). Cytogenetic location: 4p16.3.
Variant type: single nucleotide variant.
Coding change: c.556G>T on transcript NM_000283.4 (MANE Select); coding-DNA position 556, G replaced by T.
Protein change: p.Val186Phe; replaces valine 186 with phenylalanine.
Molecular consequence: missense variant.
Genome position (GRCh38, 1-based): chr4:634,764, G>T. VCF-style: chr4-634764-G-T. GRCh37 (hg19) VCF-style: chr4-628553-G-T.
Other names: c.556G>T, p.Val186Phe (NM_001145291.2); short protein forms V186F.
Identifiers: ClinVar variation 1508108 (VCV001508108.8), dbSNP rs779085612, ClinGen allele CA2793995.
Genomic context (GRCh38, chr4:634,764, plus strand): 5'-GAGCTCACTGACTACAAGACAAAGAATATGCTGGCCACACCCATCATGAATGGCAAAGAC[G>T]TCGTGGCGGTGATCATGGCAGTGAACAAGCTCAACGGCCCATTCTTCACCAGCGAAGACG-3'
Protein context (NP_000274.3, residues 176-196): LATPIMNGKD[Val186Phe]VAVIMAVNKL